The following is an entry in ClinVar:

NM_001079872.2(CUL4B):c.2047-3T>C

Gene: CUL4B (cullin 4B; minus strand). Cytogenetic location: Xq24.
Variant type: single nucleotide variant.
Coding change: c.2047-3T>C on transcript NM_001079872.2 (MANE Select); 3 bases into the intron before coding-DNA position 2047, T replaced by C.
Molecular consequence: intron variant.
Genome position (GRCh38, 1-based): chrX:120,535,946, A>G on the plus strand (T>C on the coding strand, the complement: CUL4B is on the minus strand). VCF-style: chrX-120535946-A-G. GRCh37 (hg19) VCF-style: chrX-119669801-A-G.
Other names: c.2101-3T>C (NM_003588.4); c.2062-3T>C (NM_001330624.2); c.1513-3T>C (NM_001369145.1).
Identifiers: ClinVar variation 3669598 (VCV003669598.2).

ClinVar aggregate classification (germline): Uncertain significance (1 of 4 stars; one submission).

Conditions:
X-linked intellectual disability Cabezas type (MRXSC). Also called: Intellectual developmental disorder, X-linked syndromic, Cabezas type; CABEZAS SYNDROME; MENTAL RETARDATION, X-LINKED, SYNDROMIC 15. Identifiers: Orphanet 85289, Orphanet 85293, MedGen C1845861, MONDO:0010306, OMIM 300354.

Submission:

Labcorp Genetics (formerly Invitae), Labcorp
Classification: Uncertain significance for X-linked intellectual disability Cabezas type. Last evaluated: 2024-02-15. Review status: criteria provided, single submitter. Criteria: Invitae Variant Classification Sherloc (09022015). Collection method: clinical testing. Allele origin: germline.
Comment: This sequence change falls in intron 17 of the CUL4B gene. It does not directly change the encoded amino acid sequence of the CUL4B protein. It affects a nucleotide within the consensus splice site. This variant is not present in population databases (gnomAD no frequency). This variant has not been reported in the literature in individuals affected with CUL4B-related conditions. Variants that disrupt the consensus splice site are a relatively common cause of aberrant splicing (PMID: 17576681, 9536098). Algorithms developed to predict the effect of sequence changes on RNA splicing suggest that this variant is not likely to affect RNA splicing. In summary, the available evidence is currently insufficient to determine the role of this variant in disease. Therefore, it has been classified as a Variant of Uncertain Significance.

Literature cited by the submitters: PubMed 17576681; PubMed 9536098.